The following is an entry in ClinVar:

ClinVar aggregate classification (germline): Uncertain significance. Review status: criteria provided, multiple submitters, no conflicts (2 of 4 stars). 3 submissions from 3 submitters: Uncertain significance (3). Last evaluated 2025-11-02.

Conditions:
Inborn genetic diseases. Identifiers: MedGen C0950123, MeSH D030342.
Cataract 22 multiple types. Also called: CATARACT 22, MULTIPLE TYPES, AUTOSOMAL DOMINANT; Cataract 22; CATARACT 22, NUCLEAR, AUTOSOMAL RECESSIVE. Identifiers: Orphanet 91492, MedGen C1857853, MONDO:0012336, OMIM 609741.

Allele frequency attached by ClinVar (database versions not stated): gnomAD 0.00006; TOPMed 0.00012; 1000 Genomes Project 30x 0.00031; 1000 Genomes Project 0.00040.
gnomAD v4.1: 60 of 1,613,978 alleles (0.0037%); highest among the groups gnomAD compares: East Asian, 0.054%; no homozygotes.

Submissions (3):

Ambry Genetics
Classification: Uncertain significance for Inborn genetic diseases. Last evaluated: 2025-11-02. Review status: criteria provided, single submitter. Criteria: Ambry Variant Classification Scheme 2023. Collection method: clinical testing. Allele origin: germline.

Labcorp Genetics (formerly Invitae), Labcorp
Classification: Uncertain significance for Cataract 22 multiple types. Last evaluated: 2025-06-10. Review status: criteria provided, single submitter. Criteria: Invitae Variant Classification Sherloc (09022015). Collection method: clinical testing. Allele origin: germline.
Comment: This sequence change replaces arginine, which is basic and polar, with histidine, which is basic and polar, at codon 127 of the CRYBB3 protein (p.Arg127His). This variant is present in population databases (rs200584818, gnomAD 0.1%). This variant has not been reported in the literature in individuals affected with CRYBB3-related conditions. ClinVar contains an entry for this variant (Variation ID: 658617). An algorithm developed to predict the effect of missense changes on protein structure and function (PolyPhen-2) suggests that this variant is likely to be tolerated. In summary, the available evidence is currently insufficient to determine the role of this variant in disease. Therefore, it has been classified as a Variant of Uncertain Significance.

Illumina Laboratory Services, Illumina
Classification: Uncertain significance for Cataract 22 multiple types. Last evaluated: 2018-01-13. Review status: criteria provided, single submitter. Criteria: ICSL Variant Classification Criteria 13 December 2019. Collection method: clinical testing. Allele origin: germline.

NM_004076.5(CRYBB3):c.380G>A (p.Arg127His)

Gene: CRYBB3 (crystallin beta B3; plus strand). Cytogenetic location: 22q11.23.
Variant type: single nucleotide variant.
Coding change: c.380G>A on transcript NM_004076.5 (MANE Select); coding-DNA position 380, G replaced by A.
Protein change: p.Arg127His; replaces arginine 127 with histidine.
Molecular consequence: missense variant.
Genome position (GRCh38, 1-based): chr22:25,205,272, G>A. VCF-style: chr22-25205272-G-A. GRCh37 (hg19) VCF-style: chr22-25601239-G-A.
Other names: c.380G>A (NM_004076.3); short protein forms R127H.
Identifiers: ClinVar variation 658617 (VCV000658617.14), dbSNP rs200584818, ClinGen allele CA10157776.